The following is an entry in ClinVar:

NM_031293.3(PMFBP1):c.2118_2119dup (p.Leu707fs)

Gene: PMFBP1 (polyamine modulated factor 1 binding protein 1; minus strand). Cytogenetic location: 16q22.2.
Variant type: Duplication.
Coding change: c.2118_2119dup on transcript NM_031293.3 (MANE Select); coding-DNA positions 2118 to 2119, 2 bases duplicated (CC; older notation c.2118_2119dupCC).
Protein change: p.Leu707fs; shifts the reading frame from leucine 707.
Molecular consequence: frameshift variant.
Genome position (GRCh38, 1-based): chr16:72,126,102-72,126,103, GG duplicated on the plus strand (CC on the coding strand, the reverse complement: PMFBP1 is on the minus strand). VCF-style (leftmost placement, unchanged base first): chr16-72126101-A-AGG. GRCh37 (hg19) VCF-style: chr16-72160000-A-AGG.
Other names: c.1683_1684dup, p.Leu562fs (NM_001160213.2); short protein forms L562fs, L707fs.
Identifiers: ClinVar variation 4850405 (VCV004850405.1).

ClinVar aggregate classification (germline): Likely pathogenic (1 of 4 stars; one submission).

Conditions:
Spermatogenic failure 31. Identifiers: MedGen C4748234, MONDO:0020852, OMIM 618112.

Submission:

First Genomix Gene Laboratory, Genetic Diagnostics Department
Classification: Likely pathogenic for Spermatogenic failure 31. Last evaluated: 2025-09-24. Review status: criteria provided, single submitter. Criteria: ACMG Guidelines, 2015. Collection method: clinical testing. Allele origin: germline. Inheritance: Autosomal recessive inheritance. Affected: no. Observed: 1 variant allele.